The following is an entry in ClinVar:

ClinVar aggregate classification (germline): Uncertain significance (1 of 4 stars; one submission).

Conditions:
NR0B2-related disorder. Also called: NR0B2-related condition.

gnomAD v4.1: 3 of 1,614,100 alleles (0.00019%); highest among the groups gnomAD compares: Non-Finnish European, 0.00025%; no homozygotes.

Submission:

PreventionGenetics, part of Exact Sciences
Classification: Uncertain significance for NR0B2-related condition. Last evaluated: 2026-09-15. Review status: criteria provided, single submitter. Criteria: ACMG Guidelines, 2015. Collection method: clinical testing. Allele origin: germline.
Comment: The NR0B2 c.491A>G variant is predicted to result in the amino acid substitution p.Lys164Arg. To our knowledge, this variant has not been reported in the literature or in a large population database (gnomAD), indicating this variant is rare. At this time, the clinical significance of this variant is uncertain due to the absence of conclusive functional and genetic evidence.

NM_021969.3(NR0B2):c.491A>G (p.Lys164Arg)

Genes: NR0B2 (nuclear receptor subfamily 0 group B member 2; minus strand), NUDC (nuclear distribution C, dynein complex regulator; plus strand). Cytogenetic location: 1p36.11.
Variant type: single nucleotide variant.
Coding change: c.491A>G on transcript NM_021969.3 (MANE Select); coding-DNA position 491, A replaced by G.
Protein change: p.Lys164Arg; replaces lysine 164 with arginine.
Molecular consequence: missense variant.
Genome position (GRCh38, 1-based): chr1:26,913,450, T>C on the plus strand (A>G on the coding strand, the complement: NR0B2 is on the minus strand). VCF-style: chr1-26913450-T-C. GRCh37 (hg19) VCF-style: chr1-27239941-T-C.
Other names: short protein forms K164R.
Identifiers: ClinVar variation 4994400 (VCV004994400.1).